The following is an entry in ClinVar:

NM_144991.3(TSPEAR):c.442C>T (p.Arg148Cys)

Gene: TSPEAR (thrombospondin type laminin G domain and EAR repeats; minus strand). Cytogenetic location: 21q22.3.
Variant type: single nucleotide variant.
Coding change: c.442C>T on transcript NM_144991.3 (MANE Select); coding-DNA position 442, C replaced by T.
Protein change: p.Arg148Cys; replaces arginine 148 with cysteine.
Molecular consequence: missense variant.
Genome position (GRCh38, 1-based): chr21:44,533,785, G>A on the plus strand (C>T on the coding strand, the complement: TSPEAR is on the minus strand). VCF-style: chr21-44533785-G-A. GRCh37 (hg19) VCF-style: chr21-45953668-G-A.
Other names: c.442C>T (NM_144991.2); c.238C>T, p.Arg80Cys (NM_001272037.2); short protein forms R80C, R148C.
Identifiers: ClinVar variation 1902134 (VCV001902134.6), dbSNP rs781967968, ClinGen allele CA10057018.

ClinVar aggregate classification (germline): Uncertain significance. Review status: criteria provided, multiple submitters, no conflicts (2 of 4 stars). 4 submissions from 4 submitters: Uncertain significance (4). Last evaluated 2025-03-20.

Conditions:
TSPEAR-related disorder. Also called: TSPEAR-related condition.
Inborn genetic diseases. Identifiers: MedGen C0950123, MeSH D030342.

Allele frequency attached by ClinVar (database versions not stated): ExAC 0.00003; gnomAD 0.00003; TOPMed 0.00003; gnomAD exomes 0.00004.
gnomAD v4.1: 67 of 1,612,410 alleles (0.0042%); highest among the groups gnomAD compares: African/African-American, 0.0053%; no homozygotes.

Submissions (4):

PreventionGenetics, part of Exact Sciences
Classification: Uncertain significance for TSPEAR-related condition. Last evaluated: 2025-03-20. Review status: criteria provided, single submitter. Criteria: ACMG Guidelines, 2015. Collection method: clinical testing. Allele origin: germline.
Comment: The TSPEAR c.442C>T variant is predicted to result in the amino acid substitution p.Arg148Cys. To our knowledge, this variant has not been reported in the literature. This variant is reported in 0.0082% of alleles in individuals of African descent in gnomAD. At this time, the clinical significance of this variant is uncertain due to the absence of conclusive functional and genetic evidence.

Ambry Genetics
Classification: Uncertain significance for Inborn genetic diseases. Last evaluated: 2024-03-28. Review status: criteria provided, single submitter. Criteria: Ambry Variant Classification Scheme 2023. Collection method: clinical testing. Allele origin: germline.

GeneDx
Classification: Uncertain significance. Last evaluated: 2023-03-27. Review status: criteria provided, single submitter. Criteria: GeneDx Variant Classification Process June 2021. Collection method: clinical testing. Allele origin: germline. Affected: yes.
Comment: In silico analysis supports that this missense variant has a deleterious effect on protein structure/function; Has not been previously published as pathogenic or benign to our knowledge

Labcorp Genetics (formerly Invitae), Labcorp
Classification: Uncertain significance. Last evaluated: 2022-08-19. Review status: criteria provided, single submitter. Criteria: Invitae Variant Classification Sherloc (09022015). Collection method: clinical testing. Allele origin: germline.
Comment: In summary, the available evidence is currently insufficient to determine the role of this variant in disease. Therefore, it has been classified as a Variant of Uncertain Significance. Algorithms developed to predict the effect of missense changes on protein structure and function are either unavailable or do not agree on the potential impact of this missense change (SIFT: "Deleterious"; PolyPhen-2: "Possibly Damaging"; Align-GVGD: "Class C0"). This variant has not been reported in the literature in individuals affected with TSPEAR-related conditions. This variant is present in population databases (rs781967968, gnomAD 0.009%). This sequence change replaces arginine, which is basic and polar, with cysteine, which is neutral and slightly polar, at codon 148 of the TSPEAR protein (p.Arg148Cys).